The following is an entry in ClinVar:

NM_000138.5(FBN1):c.2432G>A (p.Cys811Tyr)

Gene: FBN1 (fibrillin 1; minus strand). Cytogenetic location: 15q21.1.
Variant type: single nucleotide variant.
Coding change: c.2432G>A on transcript NM_000138.5 (MANE Select); coding-DNA position 2432, G replaced by A.
Protein change: p.Cys811Tyr; replaces cysteine 811 with tyrosine.
Molecular consequence: missense variant.
Genome position (GRCh38, 1-based): chr15:48,495,576, C>T on the plus strand (G>A on the coding strand, the complement: FBN1 is on the minus strand). VCF-style: chr15-48495576-C-T. GRCh37 (hg19) VCF-style: chr15-48787773-C-T.
Other names: short protein forms C811Y.
Identifiers: ClinVar variation 549081 (VCV000549081.23), dbSNP rs1555399210, ClinGen allele CA392334825.

ClinVar aggregate classification (germline): Pathogenic/Likely pathogenic. Review status: criteria provided, multiple submitters, no conflicts (2 of 4 stars). 4 submissions from 4 submitters: Pathogenic (2); Likely pathogenic (1). 1 of the submissions does not count toward it. Last evaluated 2023-02-23.

Conditions:
Familial thoracic aortic aneurysm and aortic dissection (TAAD). Also called: Thoracic aortic aneurysms and dissections. Identifiers: Orphanet 91387, MedGen C4707243, MONDO:0019625.
Marfan syndrome (MFS). Also called: Marfan syndrome type 1; Marfan syndrome, classic; Marfan's syndrome; FBN1-Related Marfan Syndrome; MARFAN SYNDROME, TYPE I. Identifiers: Orphanet 284963, Orphanet 558, MedGen C0024796, MONDO:0007947, OMIM 154700.

Submissions (4):

Labcorp Genetics (formerly Invitae), Labcorp
Classification: Pathogenic for Marfan syndrome; Familial thoracic aortic aneurysm and aortic dissection. Last evaluated: 2023-02-23. Review status: criteria provided, single submitter. Criteria: Invitae Variant Classification Sherloc (09022015). Collection method: clinical testing. Allele origin: germline.
Comment: For these reasons, this variant has been classified as Pathogenic. This variant affects a cysteine residue in the EGF-like, TGFBP or hybrid motif domains of FBN1. Cysteine residues are believed to be involved in intramolecular disulfide bridges and have been shown to be important for FBN1 protein structure (PMID: 16905551, 19349279). In addition, missense substitutions affecting cysteine residues within these domains are significantly overrepresented among patients with Marfan syndrome (PMID: 16571647, 17701892). Advanced modeling of protein sequence and biophysical properties (such as structural, functional, and spatial information, amino acid conservation, physicochemical variation, residue mobility, and thermodynamic stability) performed at Invitae indicates that this missense variant is expected to disrupt FBN1 protein function. ClinVar contains an entry for this variant (Variation ID: 549081). This missense change has been observed in individuals with Marfan syndrome (PMID: 21542060, 34550612). This variant is not present in population databases (gnomAD no frequency). This sequence change replaces cysteine, which is neutral and slightly polar, with tyrosine, which is neutral and polar, at codon 811 of the FBN1 protein (p.Cys811Tyr).

Centre of Medical Genetics, University of Antwerp
Classification: Pathogenic for Marfan syndrome. Last evaluated: 2021-03-01. Review status: criteria provided, single submitter. Criteria: Submitter's publication. Collection method: research. Allele origin: unknown. Affected: yes.
Comment: PM2, PVS2, PP4

Ambry Genetics
Classification: Likely pathogenic for Familial thoracic aortic aneurysm and aortic dissection. Last evaluated: 2017-04-05. Review status: criteria provided, single submitter. Criteria: Ambry Variant Classification Scheme 2023. Collection method: clinical testing. Allele origin: germline.
Comment: The p.C811Y variant (also known as c.2432G>A), located in coding exon 20 of the FBN1 gene, results from a G to A substitution at nucleotide position 2432. The cysteine at codon 811 is replaced by tyrosine, an amino acid with highly dissimilar properties, and is located in the cbEGF-like #09 domain. The majority of FBN1 mutations identified to date have involved the substitution or generation of cysteine residues within cbEGF domains (Vollbrandt T et al. J Biol Chem. 2004;279(31):32924-32931). This alteration was first reported in one individual with a diagnosis of Marfan syndrome based on Ghent criteria (Baetens M et al. Hum. Mutat., 2011 Sep;32:1053-62). This amino acid position is highly conserved in available vertebrate species. In addition, this alteration is predicted to be deleterious by in silico analysis. Based on the majority of available evidence to date, this variant is likely to be pathogenic.

Center for Medical Genetics Ghent, University of Ghent
Classification: Likely pathogenic for Marfan syndrome. Last evaluated: 2017-11-07. Review status: no assertion criteria provided. Collection method: clinical testing. Allele origin: germline. Affected: yes. Not counted in ClinVar's aggregate classification.

Literature cited by the submitters: PubMed 16905551 (cited by Labcorp Genetics (formerly Invitae), Labcorp); PubMed 19349279 (cited by Labcorp Genetics (formerly Invitae), Labcorp); PubMed 16571647 (cited by Labcorp Genetics (formerly Invitae), Labcorp); PubMed 17701892 (cited by Labcorp Genetics (formerly Invitae), Labcorp); PubMed 21542060 (cited by Labcorp Genetics (formerly Invitae), Labcorp and Ambry Genetics); PubMed 34550612 (cited by Labcorp Genetics (formerly Invitae), Labcorp); PubMed 26770496 (cited by Ambry Genetics).